The following is an entry in ClinVar:

ClinVar aggregate classification (germline): Uncertain significance. Review status: criteria provided, multiple submitters, no conflicts (2 of 4 stars). 2 submissions from 2 submitters: Uncertain significance (2). Last evaluated 2023-12-18.

Conditions:
Inosine triphosphatase deficiency. Also called: INOSINE TRIPHOSPHATE PYROPHOSPHOHYDROLASE DEFICIENCY. Identifiers: MedGen C0342800, MONDO:0013461, OMIM 613850.

Allele frequency attached by ClinVar (database versions not stated): gnomAD exomes 0.00003 and 0.00011; ExAC 0.00020; gnomAD 0.00044 and 0.00047; TOPMed 0.00055; 1000 Genomes Project 0.00060; ESP Exome Variant Server 0.00069; 1000 Genomes Project 30x 0.00078.
gnomAD v4.1: 117 of 1,613,022 alleles (0.0073%); highest among the groups gnomAD compares: African/African-American, 0.14%; no homozygotes.

Submissions (2):

Labcorp Genetics (formerly Invitae), Labcorp
Classification: Uncertain significance for Inosine triphosphatase deficiency. Last evaluated: 2023-12-18. Review status: criteria provided, single submitter. Criteria: Invitae Variant Classification Sherloc (09022015). Collection method: clinical testing. Allele origin: germline.
Comment: This sequence change replaces arginine, which is basic and polar, with glycine, which is neutral and non-polar, at codon 133 of the ITPA protein (p.Arg133Gly). This variant is present in population databases (rs140777194, gnomAD 0.2%). This variant has not been reported in the literature in individuals affected with ITPA-related conditions. ClinVar contains an entry for this variant (Variation ID: 574873). An algorithm developed to predict the effect of missense changes on protein structure and function (PolyPhen-2) suggests that this variant is likely to be disruptive. In summary, the available evidence is currently insufficient to determine the role of this variant in disease. Therefore, it has been classified as a Variant of Uncertain Significance.

GeneDx
Classification: Uncertain significance. Last evaluated: 2022-11-13. Review status: criteria provided, single submitter. Criteria: GeneDx Variant Classification Process June 2021. Collection method: clinical testing. Allele origin: germline. Affected: yes.
Comment: In silico analysis supports that this missense variant has a deleterious effect on protein structure/function; Has not been previously published as pathogenic or benign to our knowledge

NM_033453.4(ITPA):c.397A>G (p.Arg133Gly)

Genes: ITPA (inosine triphosphatase; plus strand), LOC130065322 (ATAC-STARR-seq lymphoblastoid silent region 12615; plus strand). Cytogenetic location: 20p13.
Variant type: single nucleotide variant.
Coding change: c.397A>G on transcript NM_033453.4 (MANE Select); coding-DNA position 397, A replaced by G.
Protein change: p.Arg133Gly; replaces arginine 133 with glycine.
Molecular consequence: missense variant. On other transcripts: synonymous variant (4), non-coding transcript variant (2).
Genome position (GRCh38, 1-based): chr20:3,218,618, A>G. VCF-style: chr20-3218618-A-G. GRCh37 (hg19) VCF-style: chr20-3199264-A-G.
Other names: c.274A>G, p.Arg92Gly (NM_001267623.2); c.60A>G, p.Ser20= (NM_001324236.2, NM_001324237.2, NM_001324238.2 and 1 more transcripts); c.397A>G, p.Arg133Gly (NM_001324240.2); c.346A>G, p.Arg116Gly (NM_181493.4); short protein forms R133G, R116G, R92G.
Identifiers: ClinVar variation 574873 (VCV000574873.8), dbSNP rs140777194, ClinGen allele CA9741286.